The following is an entry in ClinVar:

ClinVar aggregate classification (germline): Uncertain significance. Review status: criteria provided, multiple submitters, no conflicts (2 of 4 stars). 3 submissions from 3 submitters: Uncertain significance (3). Last evaluated 2023-11-17.

Conditions:
Patterned macular dystrophy 2. Identifiers: Orphanet 99001, MedGen C1837029, MONDO:0012162, OMIM 608970.

Submissions (3):

Labcorp Genetics (formerly Invitae), Labcorp
Classification: Uncertain significance. Last evaluated: 2023-11-17. Review status: criteria provided, single submitter. Criteria: Invitae Variant Classification Sherloc (09022015). Collection method: clinical testing. Allele origin: germline.
Comment: This sequence change replaces leucine, which is neutral and non-polar, with arginine, which is basic and polar, at codon 221 of the CTNNA1 protein (p.Leu221Arg). This variant is not present in population databases (gnomAD no frequency). This variant has not been reported in the literature in individuals affected with CTNNA1-related conditions. ClinVar contains an entry for this variant (Variation ID: 2416240). Advanced modeling of protein sequence and biophysical properties (such as structural, functional, and spatial information, amino acid conservation, physicochemical variation, residue mobility, and thermodynamic stability) performed at Invitae indicates that this missense variant is expected to disrupt CTNNA1 protein function with a positive predictive value of 80%. In summary, the available evidence is currently insufficient to determine the role of this variant in disease. Therefore, it has been classified as a Variant of Uncertain Significance.

Laboratorio de Genetica e Diagnostico Molecular, Hospital Israelita Albert Einstein
Classification: Uncertain significance for Patterned macular dystrophy 2. Last evaluated: 2023-10-06. Review status: criteria provided, single submitter. Criteria: ACMG Guidelines, 2015. Collection method: clinical testing. Allele origin: germline. Affected: yes.
Comment: ACMG classification criteria: PM2 moderate, PP2 supporting, PP3 supporting

Baylor Genetics
Classification: Uncertain significance for Patterned macular dystrophy 2. Last evaluated: 2023-08-18. Review status: criteria provided, single submitter. Criteria: ACMG Guidelines, 2015. Collection method: clinical testing. Allele origin: unknown.

NM_001903.5(CTNNA1):c.662T>G (p.Leu221Arg)

Gene: CTNNA1 (catenin alpha 1; plus strand). Cytogenetic location: 5q31.2.
Variant type: single nucleotide variant.
Coding change: c.662T>G on transcript NM_001903.5 (MANE Select); coding-DNA position 662, T replaced by G.
Protein change: p.Leu221Arg; replaces leucine 221 with arginine.
Molecular consequence: missense variant.
Genome position (GRCh38, 1-based): chr5:138,824,603, T>G. VCF-style: chr5-138824603-T-G. GRCh37 (hg19) VCF-style: chr5-138160292-T-G.
Other names: c.662T>G, p.Leu221Arg (NM_001290307.3, NM_001323982.2, NM_001323983.1 and 3 more transcripts); c.353T>G, p.Leu118Arg (NM_001290309.3); c.293T>G, p.Leu98Arg (NM_001290310.3); short protein forms L118R, L221R, L98R.
Identifiers: ClinVar variation 2416240 (VCV002416240.7), dbSNP rs1760449063, ClinGen allele CA361129632.